The following is an entry in ClinVar:

NM_002206.3(ITGA7):c.1115G>A (p.Arg372Gln)

Gene: ITGA7 (integrin subunit alpha 7; minus strand). Cytogenetic location: 12q13.2.
Variant type: single nucleotide variant.
Coding change: c.1115G>A on transcript NM_002206.3 (MANE Select); coding-DNA position 1115, G replaced by A.
Protein change: p.Arg372Gln; replaces arginine 372 with glutamine.
Molecular consequence: missense variant. On other transcripts: 5 prime UTR variant (1).
Genome position (GRCh38, 1-based): chr12:55,698,460, C>T on the plus strand (G>A on the coding strand, the complement: ITGA7 is on the minus strand). VCF-style: chr12-55698460-C-T. GRCh37 (hg19) VCF-style: chr12-56092244-C-T.
Other names: c.1127G>A, p.Arg376Gln (NM_001414029.1, NM_001144996.2); c.995G>A, p.Arg332Gln (NM_001414032.1); c.932G>A, p.Arg311Gln (NM_001414033.1); c.1115G>A, p.Arg372Gln (NM_001414034.1, NM_001374465.1); c.776G>A, p.Arg259Gln (NM_001414035.1); c.836G>A, p.Arg279Gln (NM_001144997.2); c.788G>A, p.Arg263Gln (NM_001367993.1); c.-178G>A (NM_001367994.1); and 1 more; short protein forms R279Q, R263Q, R376Q, R372Q, R416Q, R332Q, R259Q, R311Q.
Identifiers: ClinVar variation 1469289 (VCV001469289.8), dbSNP rs1397229961, ClinGen allele CA385190191.

ClinVar aggregate classification (germline): Uncertain significance (1 of 4 stars; one submission).

Conditions:
Congenital muscular dystrophy due to integrin alpha-7 deficiency. Also called: MYOPATHY, CONGENITAL, DUE TO INTEGRIN ALPHA-7 DEFICIENCY; Congenital muscular dystrophy with integrin alpha-7 deficiency; Muscular dystrophy, congenital, due to ITGA7 deficiency. Identifiers: Orphanet 34520, MedGen C2750786, MONDO:0013177, OMIM 613204.

Allele frequency attached by ClinVar (database versions not stated): gnomAD exomes below 0.00001 and 0.00001.
gnomAD v4.1: 13 of 1,613,650 alleles (0.00081%); highest among the groups gnomAD compares: Non-Finnish European, 0.0011%; no homozygotes.

Submission:

Labcorp Genetics (formerly Invitae), Labcorp
Classification: Uncertain significance for Congenital muscular dystrophy due to integrin alpha-7 deficiency. Last evaluated: 2024-10-17. Review status: criteria provided, single submitter. Criteria: Invitae Variant Classification Sherloc (09022015). Collection method: clinical testing. Allele origin: germline.
Comment: This sequence change replaces arginine, which is basic and polar, with glutamine, which is neutral and polar, at codon 372 of the ITGA7 protein (p.Arg372Gln). This variant is present in population databases (no rsID available, gnomAD 0.0009%). This variant has not been reported in the literature in individuals affected with ITGA7-related conditions. ClinVar contains an entry for this variant (Variation ID: 1469289). Invitae Evidence Modeling of protein sequence and biophysical properties (such as structural, functional, and spatial information, amino acid conservation, physicochemical variation, residue mobility, and thermodynamic stability) indicates that this missense variant is not expected to disrupt ITGA7 protein function with a negative predictive value of 80%. Algorithms developed to predict the effect of sequence changes on RNA splicing suggest that this variant may create or strengthen a splice site. In summary, the available evidence is currently insufficient to determine the role of this variant in disease. Therefore, it has been classified as a Variant of Uncertain Significance.